The following is an entry in ClinVar:

ClinVar aggregate classification (germline): Uncertain significance (1 of 4 stars; one submission).

Conditions:
Deafness-lymphedema-leukemia syndrome. Also called: Lymphedema, primary, with myelodysplasia; Emberger syndrome. Identifiers: Orphanet 3226, MedGen C3279664, MONDO:0013540, OMIM 614038.
Monocytopenia with susceptibility to infections. Also called: MONOCYTOPENIA AND MYCOBACTERIAL INFECTION SYNDROME; MONOCYTOPENIA WITH SUSCEPTIBILITY TO MYCOBACTERIAL, FUNGAL, AND PAPILLOMAVIRUS INFECTIONS AND MYELODYSPLASIA; COMBINED IMMUNODEFICIENCY WITH SUSCEPTIBILITY TO MYCOBACTERIAL, VIRAL, AND FUNGAL INFECTIONS; Dendritic cell, monocyte, B lymphocyte, and natural killer lymphocyte deficiency; IMMUNODEFICIENCY 21; GATA2 DEFICIENCY. Identifiers: Orphanet 228423, MedGen C3280030, MONDO:0013607, OMIM 614172.

Allele frequency attached by ClinVar (database versions not stated): gnomAD exomes 0.00001.
gnomAD v4.1: 3 of 1,561,250 alleles (0.00019%); highest among the groups gnomAD compares: South Asian, 0.0035%; no homozygotes.

Submission:

Labcorp Genetics (formerly Invitae), Labcorp
Classification: Uncertain significance for Monocytopenia with susceptibility to infections; Deafness-lymphedema-leukemia syndrome. Last evaluated: 2023-01-05. Review status: criteria provided, single submitter. Criteria: Invitae Variant Classification Sherloc (09022015). Collection method: clinical testing. Allele origin: germline.
Comment: Advanced modeling of protein sequence and biophysical properties (such as structural, functional, and spatial information, amino acid conservation, physicochemical variation, residue mobility, and thermodynamic stability) performed at Invitae indicates that this missense variant is not expected to disrupt GATA2 protein function. This sequence change replaces proline, which is neutral and non-polar, with leucine, which is neutral and non-polar, at codon 134 of the GATA2 protein (p.Pro134Leu). The frequency data for this variant in the population databases is considered unreliable, as metrics indicate poor data quality at this position in the gnomAD database. This variant has not been reported in the literature in individuals affected with GATA2-related conditions. In summary, the available evidence is currently insufficient to determine the role of this variant in disease. Therefore, it has been classified as a Variant of Uncertain Significance.

NM_032638.5(GATA2):c.401C>T (p.Pro134Leu)

Gene: GATA2 (GATA binding protein 2; minus strand). Cytogenetic location: 3q21.3.
Variant type: single nucleotide variant.
Coding change: c.401C>T on transcript NM_032638.5 (MANE Select); coding-DNA position 401, C replaced by T.
Protein change: p.Pro134Leu; replaces proline 134 with leucine.
Molecular consequence: missense variant.
Genome position (GRCh38, 1-based): chr3:128,486,197, G>A on the plus strand (C>T on the coding strand, the complement: GATA2 is on the minus strand). VCF-style: chr3-128486197-G-A. GRCh37 (hg19) VCF-style: chr3-128205040-G-A.
Other names: c.401C>T, p.Pro134Leu (NM_001145661.2, NM_001145662.1); short protein forms P134L.
Identifiers: ClinVar variation 1981833 (VCV001981833.4), dbSNP rs1193650911, ClinGen allele CA354406907.